The following is an entry in ClinVar:

NM_001040142.2(SCN2A):c.1186G>A (p.Ala396Thr)

Gene: SCN2A (sodium voltage-gated channel alpha subunit 2; plus strand). Cytogenetic location: 2q24.3.
Variant type: single nucleotide variant.
Coding change: c.1186G>A on transcript NM_001040142.2 (MANE Select); coding-DNA position 1186, G replaced by A.
Protein change: p.Ala396Thr; replaces alanine 396 with threonine.
Molecular consequence: missense variant.
Genome position (GRCh38, 1-based): chr2:165,313,911, G>A. VCF-style: chr2-165313911-G-A. GRCh37 (hg19) VCF-style: chr2-166170421-G-A.
Other names: c.1186G>A, p.Ala396Thr (NM_001040143.2, NM_001371246.1, NM_001371247.1 and 1 more transcripts); short protein forms A396T.
Identifiers: ClinVar variation 2952531 (VCV002952531.3), dbSNP rs768191357, ClinGen allele CA349021461.
Genomic context (GRCh38, chr2:165,313,911, plus strand): 5'-GTTTGTAACATCCTATATAAAATTTATTAAAATCTCTCTTCCATTTTGCAGACACTACGT[G>A]CTGCTGGGAAAACGTACATGATATTTTTTGTGCTGGTCATTTTCTTGGGCTCATTCTATC-3'
Protein context (NP_001035232.1, residues 386-406): WENLYQLTLR[Ala396Thr]AGKTYMIFFV

ClinVar aggregate classification (germline): Uncertain significance (1 of 4 stars; one submission).

Conditions:
Seizures, benign familial infantile, 3 (BFIS3). Also called: Familial neonatal seizures; CONVULSIONS, BENIGN FAMILIAL INFANTILE, 3. Identifiers: Orphanet 140927, Orphanet 306, MedGen C1843140, MONDO:0011904, OMIM 607745.
Developmental and epileptic encephalopathy, 11 (DEE11). Also called: Early infantile epileptic encephalopathy 11. Identifiers: Orphanet 1934, MedGen C3150987, MONDO:0013388, OMIM 613721.

Submission:

Labcorp Genetics (formerly Invitae), Labcorp
Classification: Uncertain significance for Seizures, benign familial infantile, 3; Developmental and epileptic encephalopathy, 11. Last evaluated: 2023-10-05. Review status: criteria provided, single submitter. Criteria: Invitae Variant Classification Sherloc (09022015). Collection method: clinical testing. Allele origin: germline.
Comment: This sequence change replaces alanine, which is neutral and non-polar, with threonine, which is neutral and polar, at codon 396 of the SCN2A protein (p.Ala396Thr). This variant is not present in population databases (gnomAD no frequency). This variant has not been reported in the literature in individuals affected with SCN2A-related conditions. Advanced modeling of protein sequence and biophysical properties (such as structural, functional, and spatial information, amino acid conservation, physicochemical variation, residue mobility, and thermodynamic stability) performed at Invitae indicates that this missense variant is expected to disrupt SCN2A protein function. In summary, the available evidence is currently insufficient to determine the role of this variant in disease. Therefore, it has been classified as a Variant of Uncertain Significance.